The following is an entry in ClinVar:

NM_001375524.1(TRRAP):c.8439G>T (p.Arg2813Ser)

Gene: TRRAP (transformation/transcription domain associated protein; plus strand). Cytogenetic location: 7q22.1.
Variant type: single nucleotide variant.
Coding change: c.8439G>T on transcript NM_001375524.1 (MANE Select); coding-DNA position 8439, G replaced by T.
Protein change: p.Arg2813Ser; replaces arginine 2813 with serine.
Molecular consequence: missense variant.
Genome position (GRCh38, 1-based): chr7:98,978,264, G>T. VCF-style: chr7-98978264-G-T. GRCh37 (hg19) VCF-style: chr7-98575887-G-T.
Other names: c.8418G>T, p.Arg2806Ser (NM_001244580.2); c.8364G>T, p.Arg2788Ser (NM_003496.4); short protein forms R2788S, R2806S, R2813S.
Identifiers: ClinVar variation 1334759 (VCV001334759.4), dbSNP rs746996313, ClinGen allele CA4361444.
Genomic context (GRCh38, chr7:98,978,264, plus strand): 5'-TTTTTAGGCACAAGAATCCTATGAAAAGGCAATGGATAAAGCCAAAAAAGAACATGAGAG[G>T]AGTAACGCCTCCCCTGCTATTTTCCCTGAATACCAGCTCTGGGAAGACCACTGGATTCGG-3'
Protein context (NP_001362453.1, residues 2803-2823): AMDKAKKEHE[Arg2813Ser]SNASPAIFPE

ClinVar aggregate classification (germline): Uncertain significance (1 of 4 stars; one submission).

Allele frequency attached by ClinVar (database versions not stated): gnomAD exomes below 0.00001; ExAC 0.00001; gnomAD 0.00001; TOPMed 0.00001.
gnomAD v4.1: 2 of 1,614,032 alleles (0.00012%); highest among the groups gnomAD compares: Admixed American, 0.0017%; no homozygotes.

Submission:

Greenwood Genetic Center Diagnostic Laboratories, Greenwood Genetic Center
Classification: Uncertain significance. Last evaluated: 2021-07-16. Review status: criteria provided, single submitter. Criteria: ACMG Guidelines, 2015. Collection method: clinical testing. Allele origin: germline. Affected: yes.
Comment: PM2